The following is an entry in ClinVar:

NM_002890.3(RASA1):c.1852A>G (p.Ile618Val)

Genes: CCNH (cyclin H; minus strand), RASA1 (RAS p21 protein activator 1; plus strand). Cytogenetic location: 5q14.3.
Variant type: single nucleotide variant.
Coding change: c.1852A>G on transcript NM_002890.3 (MANE Select); coding-DNA position 1852, A replaced by G.
Protein change: p.Ile618Val; replaces isoleucine 618 with valine.
Molecular consequence: missense variant. On other transcripts: intron variant (1).
Genome position (GRCh38, 1-based): chr5:87,374,238, A>G. VCF-style: chr5-87374238-A-G. GRCh37 (hg19) VCF-style: chr5-86670055-A-G.
Other names: c.1321A>G, p.Ile441Val (NM_022650.3); c.933+20806T>C (NM_001364075.2); short protein forms I441V, I618V.
Identifiers: ClinVar variation 2415906 (VCV002415906.42), dbSNP rs1490821683, ClinGen allele CA360374509.

ClinVar aggregate classification (germline): Uncertain significance (1 of 4 stars; one submission).

Conditions:
Capillary malformation-arteriovenous malformation syndrome. Also called: Capillary malformation-arteriovenous malformation. Identifiers: Orphanet 137667, MedGen C1842180, MONDO:0012016.

Submission:

Labcorp Genetics (formerly Invitae), Labcorp
Classification: Uncertain significance for Capillary malformation-arteriovenous malformation syndrome. Last evaluated: 2025-11-08. Review status: criteria provided, single submitter. Criteria: Invitae Variant Classification Sherloc (09022015). Collection method: clinical testing. Allele origin: germline.
Comment: This sequence change replaces isoleucine, which is neutral and non-polar, with valine, which is neutral and non-polar, at codon 618 of the RASA1 protein (p.Ile618Val). This variant is not present in population databases (gnomAD no frequency). This variant has not been reported in the literature in individuals affected with RASA1-related conditions. ClinVar contains an entry for this variant (Variation ID: 2415906). An algorithm developed to predict the effect of missense changes on protein structure and function (PolyPhen-2) suggests that this variant is likely to be disruptive. In summary, the available evidence is currently insufficient to determine the role of this variant in disease. Therefore, it has been classified as a Variant of Uncertain Significance.